The following is an entry in ClinVar:

NM_004336.5(BUB1):c.2941C>T (p.Pro981Ser)

Gene: BUB1 (BUB1 mitotic checkpoint serine/threonine kinase; minus strand). Cytogenetic location: 2q13.
Variant type: single nucleotide variant.
Coding change: c.2941C>T on transcript NM_004336.5 (MANE Select); coding-DNA position 2941, C replaced by T.
Protein change: p.Pro981Ser; replaces proline 981 with serine.
Molecular consequence: missense variant.
Genome position (GRCh38, 1-based): chr2:110,641,048, G>A on the plus strand (C>T on the coding strand, the complement: BUB1 is on the minus strand). VCF-style: chr2-110641048-G-A. GRCh37 (hg19) VCF-style: chr2-111398625-G-A.
Other names: c.2881C>T, p.Pro961Ser (NM_001278616.2); c.2770C>T, p.Pro924Ser (NM_001278617.2); short protein forms P981S, P924S, P961S.
Identifiers: ClinVar variation 1797925 (VCV001797925.2), dbSNP rs2467970013, ClinGen allele CA348088952.

ClinVar aggregate classification (germline): Uncertain significance (1 of 4 stars; one submission).

Submission:

Ambry Genetics
Classification: Uncertain significance. Last evaluated: 2022-06-24. Review status: criteria provided, single submitter. Criteria: Ambry Variant Classification Scheme 2023. Collection method: clinical testing. Allele origin: germline.
Comment: The p.P981S variant (also known as c.2941C>T), located in coding exon 23 of the BUB1 gene, results from a C to T substitution at nucleotide position 2941. The proline at codon 981 is replaced by serine, an amino acid with similar properties. This amino acid position is conserved. In addition, the in silico prediction for this alteration is inconclusive. Since supporting evidence is limited at this time, the clinical significance of this alteration remains unclear.